The following is an entry in ClinVar:

NM_000245.4(MET):c.*1220G>A

Gene: MET (MET proto-oncogene, receptor tyrosine kinase; plus strand). Cytogenetic location: 7q31.2.
Variant type: single nucleotide variant.
Coding change: c.*1220G>A on transcript NM_000245.4 (MANE Select); 1220 bases downstream of the stop codon, G replaced by A.
Molecular consequence: 3 prime UTR variant.
Genome position (GRCh38, 1-based): chr7:116,797,344, G>A. VCF-style: chr7-116797344-G-A. GRCh37 (hg19) VCF-style: chr7-116437398-G-A.
Other names: c.*1220G>A (LRG_662t1, NM_001127500.3, NM_001324402.2).
Identifiers: ClinVar variation 358714 (VCV000358714.5), dbSNP rs139535303, ClinGen allele CA10628033.

ClinVar aggregate classification (germline): Benign (1 of 4 stars; one submission).

Conditions:
Papillary renal cell carcinoma type 1 (RCCP1). Also called: RENAL CELL CARCINOMA, PAPILLARY, 1, SOMATIC; Renal adenocarcinoma; Renal cell carcinoma 1; Renal cell carcinoma, somatic. Identifiers: Orphanet 47044, MedGen C1336839, OMIM 605074, HP:0011797.

Allele frequency attached by ClinVar (database versions not stated): gnomAD exomes 0.00064; 1000 Genomes Project 0.00300; 1000 Genomes Project 30x 0.00312; gnomAD 0.00315 and 0.00336; TOPMed 0.00346.
gnomAD v4.1: 527 of 228,494 alleles (0.23%); highest among the groups gnomAD compares: African/African-American, 1%; no homozygotes.

Submission:

Illumina Laboratory Services, Illumina
Classification: Benign for Papillary renal cell carcinoma type 1. Last evaluated: 2018-01-13. Review status: criteria provided, single submitter. Criteria: ICSL Variant Classification Criteria 13 December 2019. Collection method: clinical testing. Allele origin: germline.
Comment: This variant was observed in the ICSL laboratory as part of a predisposition screen in an ostensibly healthy population. It had not been previously curated by ICSL or reported in the Human Gene Mutation Database (HGMD: prior to June 1st, 2018), and was therefore a candidate for classification through an automated scoring system. Utilizing variant allele frequency, disease prevalence and penetrance estimates, and inheritance mode, an automated score was calculated to assess if this variant is too frequent to cause the disease. Based on the score and internal cut-off values, a variant classified as benign is not then subjected to further curation. The score for this variant resulted in a classification of benign for this disease.